The following is an entry in ClinVar:

ClinVar aggregate classification (germline): Likely benign. Review status: criteria provided, single submitter (1 of 4 stars). 2 submissions from 2 submitters: Likely benign (1). 1 of the submissions does not count toward it. Last evaluated 2025-09-09.

Conditions:
LAMB1-related disorder. Also called: LAMB1-related condition.

Allele frequency attached by ClinVar (database versions not stated): gnomAD exomes 0.00002; ExAC 0.00003; TOPMed 0.00008; gnomAD 0.00011; ESP Exome Variant Server 0.00023.
gnomAD v4.1: 40 of 1,602,284 alleles (0.0025%); highest among the groups gnomAD compares: African/African-American, 0.042%; no homozygotes.

Submissions (2):

Labcorp Genetics (formerly Invitae), Labcorp
Classification: Likely benign. Last evaluated: 2025-09-09. Review status: criteria provided, single submitter. Criteria: Invitae Variant Classification Sherloc (09022015). Collection method: clinical testing. Allele origin: germline.

PreventionGenetics, part of Exact Sciences
Classification: Likely benign for LAMB1-related condition. Last evaluated: 2020-10-12. Review status: no assertion criteria provided. Collection method: clinical testing. Allele origin: germline. Not counted in ClinVar's aggregate classification.
Comment: This variant is classified as likely benign based on ACMG/AMP sequence variant interpretation guidelines (Richards et al. 2015 PMID: 25741868, with internal and published modifications).

NM_002291.3(LAMB1):c.1464G>A (p.Gln488=)

Gene: LAMB1 (laminin subunit beta 1; minus strand). Cytogenetic location: 7q31.1.
Variant type: single nucleotide variant.
Coding change: c.1464G>A on transcript NM_002291.3 (MANE Select); coding-DNA position 1464, G replaced by A.
Protein change: p.Gln488=; no amino-acid change (glutamine 488 retained).
Molecular consequence: synonymous variant.
Genome position (GRCh38, 1-based): chr7:107,975,004, C>T on the plus strand (G>A on the coding strand, the complement: LAMB1 is on the minus strand). VCF-style: chr7-107975004-C-T. GRCh37 (hg19) VCF-style: chr7-107615449-C-T.
Other names: c.1464G>A (NM_002291.2).
Identifiers: ClinVar variation 2413610 (VCV002413610.9), dbSNP rs139683045, ClinGen allele CA4436021.
Genomic context (GRCh38, chr7:107,975,004, plus strand): 5'-TCCTCACCAACCACCCATCCCACGTAATGAGGATTTACTTACCAGGCACTGGTCACAATG[C>T]TGTCCTGTCACCAGACGCTTGCAGTAGCAGTGACCTGTCTCGGAATCACAAGGATTCCCT-3'
Protein context (NP_002282.2, residues 478-498): HCYCKRLVTG[Gln488=]HCDQCLPEHW